The following is an entry in ClinVar:

NM_000094.4(COL7A1):c.4255G>T (p.Ala1419Ser)

Gene: COL7A1 (collagen type VII alpha 1 chain; minus strand). Cytogenetic location: 3p21.31.
Variant type: single nucleotide variant.
Coding change: c.4255G>T on transcript NM_000094.4 (MANE Select); coding-DNA position 4255, G replaced by T.
Protein change: p.Ala1419Ser; replaces alanine 1419 with serine.
Molecular consequence: missense variant.
Genome position (GRCh38, 1-based): chr3:48,583,923, C>A on the plus strand (G>T on the coding strand, the complement: COL7A1 is on the minus strand). VCF-style: chr3-48583923-C-A. GRCh37 (hg19) VCF-style: chr3-48621356-C-A.
Other names: short protein forms A1419S.
Identifiers: ClinVar variation 4708191 (VCV004708191.1).

ClinVar aggregate classification (germline): Uncertain significance (1 of 4 stars; one submission).

Submission:

Labcorp Genetics (formerly Invitae), Labcorp
Classification: Uncertain significance. Last evaluated: 2025-05-13. Review status: criteria provided, single submitter. Criteria: Invitae Variant Classification Sherloc (09022015). Collection method: clinical testing. Allele origin: germline.
Comment: This sequence change replaces alanine, which is neutral and non-polar, with serine, which is neutral and polar, at codon 1419 of the COL7A1 protein (p.Ala1419Ser). This variant is not present in population databases (gnomAD no frequency). This variant has not been reported in the literature in individuals affected with COL7A1-related conditions. Invitae Evidence Modeling of protein sequence and biophysical properties (such as structural, functional, and spatial information, amino acid conservation, physicochemical variation, residue mobility, and thermodynamic stability) indicates that this missense variant is not expected to disrupt COL7A1 protein function with a negative predictive value of 95%. In summary, the available evidence is currently insufficient to determine the role of this variant in disease. Therefore, it has been classified as a Variant of Uncertain Significance.